The following is an entry in ClinVar:

ClinVar aggregate classification (germline): Conflicting classifications of pathogenicity. Review status: criteria provided, conflicting classifications (1 of 4 stars). 5 submissions from 5 submitters: Uncertain significance (4); Likely benign (1). Last evaluated 2025-11-08.

Conditions:
Hereditary breast ovarian cancer syndrome. Also called: Hereditary breast and ovarian cancer; Hereditary breast and/or ovarian cancer syndrome; BRCA1- and BRCA2-Associated Hereditary Breast and Ovarian Cancer; Hereditary breast and ovarian cancer syndrome; Hereditary breast and ovarian cancer syndrome (HBOC); Breast and ovarian cancer. Identifiers: Orphanet 145, MedGen C0677776, MeSH D061325, MONDO:0003582. Disease mechanism: loss of function.
Hereditary cancer-predisposing syndrome. Also called: Tumor predisposition; Hereditary Cancer Syndrome; Hereditary neoplastic syndrome; Neoplastic Syndromes, Hereditary. Identifiers: Orphanet 140162, MedGen C0027672, MeSH D009386, MONDO:0015356.

Submissions (5):

Ambry Genetics
Classification: Uncertain significance for Hereditary cancer-predisposing syndrome. Last evaluated: 2025-11-08. Review status: criteria provided, single submitter. Criteria: Ambry Variant Classification Scheme 2023. Collection method: clinical testing. Allele origin: germline.
Comment: The p.G788S variant (also known as c.2362G>A), located in coding exon 10 of the BRCA2 gene, results from a G to A substitution at nucleotide position 2362. The glycine at codon 788 is replaced by serine, an amino acid with similar properties. This amino acid position is not well conserved in available vertebrate species. In addition, this alteration is predicted to be tolerated by in silico analysis. Since supporting evidence is limited at this time, the clinical significance of this alteration remains unclear.

Labcorp Genetics (formerly Invitae), Labcorp
Classification: Uncertain significance for Hereditary breast ovarian cancer syndrome. Last evaluated: 2025-09-25. Review status: criteria provided, single submitter. Criteria: Invitae Variant Classification Sherloc (09022015). Collection method: clinical testing. Allele origin: germline.
Comment: This sequence change replaces glycine, which is neutral and non-polar, with serine, which is neutral and polar, at codon 788 of the BRCA2 protein (p.Gly788Ser). This variant is not present in population databases (gnomAD no frequency). This variant has not been reported in the literature in individuals affected with BRCA2-related conditions. ClinVar contains an entry for this variant (Variation ID: 409497). Invitae Evidence Modeling of protein sequence and biophysical properties (such as structural, functional, and spatial information, amino acid conservation, physicochemical variation, residue mobility, and thermodynamic stability) indicates that this missense variant is not expected to disrupt BRCA2 protein function with a negative predictive value of 95%. In summary, the available evidence is currently insufficient to determine the role of this variant in disease. Therefore, it has been classified as a Variant of Uncertain Significance.

University of Washington Department of Laboratory Medicine, University of Washington
Classification: Likely benign for Hereditary cancer-predisposing syndrome. Last evaluated: 2023-03-23. Review status: criteria provided, single submitter. Criteria: Dines et al. (Genet Med. 2020). Collection method: curation. Allele origin: germline.
Comment: Missense variant in a coldspot region where missense variants are very unlikely to be pathogenic (PMID:31911673).

BRCA2 exon 11 coldspot. Reclassification based on statistical prior probability.

Color Diagnostics, LLC DBA Color Health
Classification: Uncertain significance for Hereditary cancer-predisposing syndrome. Last evaluated: 2019-12-05. Review status: criteria provided, single submitter. Criteria: ACMG Guidelines, 2015. Collection method: clinical testing. Allele origin: germline.
Comment: This missense variant replaces glycine with serine at codon 788 of the BRCA2 protein. Computational prediction suggests that this variant may not impact protein structure and function (internally defined REVEL score threshold <= 0.5, PMID: 27666373). Splice site prediction tools suggest that this variant may not impact RNA splicing. To our knowledge, functional studies have not been performed for this variant. This variant has not been reported in individuals affected with hereditary cancer in the literature. This variant has not been identified in the general population by the Genome Aggregation Database (gnomAD). The available evidence is insufficient to determine the role of this variant in disease conclusively. Therefore, this variant is classified as a Variant of Uncertain Significance.

Women's Health and Genetics/Laboratory Corporation of America, LabCorp
Classification: Uncertain significance. Last evaluated: 2019-08-01. Review status: criteria provided, single submitter. Criteria: LabCorp Variant Classification Summary - May 2015. Collection method: clinical testing. Allele origin: germline.
Comment: Variant summary: BRCA2 c.2362G>A (p.Gly788Ser) results in a non-conservative amino acid change in the encoded protein sequence. Four of five in-silico tools predict a benign effect of the variant on protein function. The variant was absent in 250688 control chromosomes (gnomAD). The available data on variant occurrences in the general population are insufficient to allow any conclusion about variant significance. To our knowledge, no occurrence of c.2362G>A in individuals affected with Hereditary Breast and Ovarian Cancer and no experimental evidence demonstrating its impact on protein function have been reported. Co-occurrence with a pathogenic BRCA2 variant have been reported (1813dupA, p.Ile605fsX11). A ClinVar submission (evaluation after 2014) cites the variant as uncertian significance. Based on the evidence outlined above, the variant was classified as VUS - possibly benign.

NM_000059.4(BRCA2):c.2362G>A (p.Gly788Ser)

Gene: BRCA2 (BRCA2 DNA repair associated; plus strand). Cytogenetic location: 13q13.1.
Variant type: single nucleotide variant.
Coding change: c.2362G>A on transcript NM_000059.4 (MANE Select); coding-DNA position 2362, G replaced by A.
Protein change: p.Gly788Ser; replaces glycine 788 with serine.
Molecular consequence: missense variant.
Genome position (GRCh38, 1-based): chr13:32,336,717, G>A. VCF-style: chr13-32336717-G-A. GRCh37 (hg19) VCF-style: chr13-32910854-G-A.
Other names: short protein forms G788S.
Identifiers: ClinVar variation 409497 (VCV000409497.16), dbSNP rs1060502434, ClinGen allele CA16613860.
Genomic context (GRCh38, chr13:32,336,717, plus strand): 5'-ACTCTTATTTTAACTCCTACTTCCAAGGATGTTCTGTCAAACCTAGTCATGATTTCTAGA[G>A]GCAAAGAATCATACAAAATGTCAGACAAGCTCAAAGGTAACAATTATGAATCTGATGTTG-3'
Protein context (NP_000050.3, residues 778-798): VLSNLVMISR[Gly788Ser]KESYKMSDKL